The following is an entry in ClinVar:

ClinVar aggregate classification (germline): Pathogenic (1 of 4 stars; one submission).

Conditions:
Familial adenomatous polyposis 1 (FAP1). Also called: FAMILIAL ADENOMATOUS POLYPOSIS 1, ATTENUATED; POLYPOSIS, ADENOMATOUS INTESTINAL. Identifiers: MedGen C2713442, MONDO:0021056, OMIM 175100. Disease mechanism: loss of function.

Submission:

Labcorp Genetics (formerly Invitae), Labcorp
Classification: Pathogenic for Familial adenomatous polyposis 1. Last evaluated: 2019-05-01. Review status: criteria provided, single submitter. Criteria: Invitae Variant Classification Sherloc (09022015). Collection method: clinical testing. Allele origin: germline.
Comment: This sequence change results in a premature translational stop signal in the APC gene (p.Ser873Phefs*39). While this is not anticipated to result in nonsense mediated decay, it is expected to disrupt the last 1971 amino acids of the APC protein. This variant is not present in population databases (ExAC no frequency). This variant has not been reported in the literature in individuals with APC-related conditions This variant disrupts the C-terminus of the APC protein. Other variant(s) that disrupt this region (p.Asp962Ilefs*3) have been determined to be pathogenic (PMID: 11247896). This suggests that variants that disrupt this region of the protein are likely to be causative of disease. For these reasons, this variant has been classified as Pathogenic.

Literature cited by the submitters: PubMed 11247896.

NM_000038.6(APC):c.2617dup (p.Ser873fs)

Gene: APC (APC regulator of Wnt signaling pathway; plus strand). Cytogenetic location: 5q22.2.
Variant type: Duplication.
Coding change: c.2617dup on transcript NM_000038.6 (MANE Select); coding-DNA position 2617, one base duplicated (T; older notation c.2617dupT).
Protein change: p.Ser873fs; shifts the reading frame from serine 873.
Molecular consequence: frameshift variant.
Genome position (GRCh38, 1-based): chr5:112,838,211, T duplicated; the last of 2 consecutive T bases (chr5:112,838,210-112,838,211); duplicating either gives the same sequence. VCF-style (leftmost placement, unchanged base first): chr5-112838209-C-CT. GRCh37 (hg19) VCF-style: chr5-112173906-C-CT.
Other names: c.2617dup, p.Ser873fs (NM_001127510.3, NM_001354895.2); c.2563dup, p.Ser855fs (NM_001127511.3); c.2671dup, p.Ser891fs (NM_001354896.2); c.2647dup, p.Ser883fs (NM_001354897.2); c.2542dup, p.Ser848fs (NM_001354898.2); c.2533dup, p.Ser845fs (NM_001354899.2); c.2494dup, p.Ser832fs (NM_001354900.2); c.2440dup, p.Ser814fs (NM_001354901.2); and 5 more; short protein forms S782fs, S848fs, S883fs, S590fs, S713fs, S814fs, S832fs, S747fs.
Identifiers: ClinVar variation 841422 (VCV000841422.11), dbSNP rs1765224487, ClinGen allele CA916080357.